The following is an entry in ClinVar:

NM_000243.3(MEFV):c.414A>G (p.Gly138=)

Gene: MEFV (MEFV innate immunity regulator, pyrin; minus strand). Cytogenetic location: 16p13.3.
Variant type: single nucleotide variant.
Coding change: c.414A>G on transcript NM_000243.3 (MANE Select); coding-DNA position 414, A replaced by G.
Protein change: p.Gly138=; no amino-acid change (glycine 138 retained).
Molecular consequence: synonymous variant. On other transcripts: intron variant (1).
Genome position (GRCh38, 1-based): chr16:3,254,654, T>C on the plus strand (A>G on the coding strand, the complement: MEFV is on the minus strand). VCF-style: chr16-3254654-T-C. GRCh37 (hg19) VCF-style: chr16-3304654-T-C.
Other names: p.G138G:GGA>GGG; p.Gly138=; c.277+1657A>G (NM_001198536.2).
Identifiers: ClinVar variation 36510 (VCV000036510.49), dbSNP rs224224, ClinGen allele CA280274.

ClinVar aggregate classification (germline): Benign/Likely benign. Review status: criteria provided, multiple submitters, no conflicts (2 of 4 stars). 20 submissions from 19 submitters: Benign (14); Likely benign (2). 4 of the submissions do not count toward it. Last evaluated 2026-02-04.

Conditions:
Familial Mediterranean fever (FMF). Also called: Periodic peritonitis; Benign paroxysmal peritonitis; POLYSEROSITIS, FAMILIAL PAROXYSMAL; POLYSEROSITIS, RECURRENT. Identifiers: Orphanet 342, MedGen C0031069, MONDO:0018088, OMIM 249100. Disease mechanism: gain of function.
Familial Mediterranean fever, autosomal dominant. Also called: FMF, AUTOSOMAL DOMINANT; Dominant Familial Mediterranean Fever. Identifiers: Orphanet 342, MedGen C1851347, MONDO:0007601, OMIM 134610.
Acute febrile neutrophilic dermatosis (AFND). Also called: Sweet Syndrome; Gomm Button disease. Identifiers: Orphanet 3243, MedGen C0085077, MONDO:0011959, OMIM 608068.
Autoinflammatory syndrome. Identifiers: Orphanet 93665, MedGen C3890737, MONDO:0019751.
Inborn genetic diseases. Identifiers: MedGen C0950123, MeSH D030342.

Allele frequency attached by ClinVar (database versions not stated): 1000 Genomes Project 0.38658; 1000 Genomes Project 30x 0.39928; TOPMed 0.48092; ESP Exome Variant Server 0.46637.
gnomAD v4.1: 733,643 of 1,608,252 alleles (46%); highest among the groups gnomAD compares: Admixed American, 60%; 174,386 homozygotes.

Submissions (20):

Labcorp Genetics (formerly Invitae), Labcorp
Classification: Benign for Familial Mediterranean fever. Last evaluated: 2026-02-04. Review status: criteria provided, single submitter. Criteria: Invitae Variant Classification Sherloc (09022015). Collection method: clinical testing. Allele origin: germline.

ARUP Laboratories, Molecular Genetics and Genomics, ARUP Laboratories
Classification: Benign. Last evaluated: 2025-07-31. Review status: criteria provided, single submitter. Criteria: ARUP Molecular Germline Variant Investigation Process 2024. Collection method: clinical testing. Allele origin: germline.

Blueprint Genetics
Classification: Likely benign. Last evaluated: 2024-11-27. Review status: criteria provided, single submitter. Criteria: ACMG Guidelines, 2015. Collection method: clinical testing. Allele origin: germline.

Unidad de Genómica Garrahan, Hospital de Pediatría Garrahan
Classification: Benign. Last evaluated: 2023-11-12. Review status: criteria provided, single submitter. Criteria: ACMG Guidelines, 2015. Collection method: clinical testing. Allele origin: germline. Affected: no. Observed: 72 variant alleles.
Comment: This variant is classified as Benign based on local population frequency. This variant was detected in 75% of patients studied by a panel of primary immunodeficiencies. Number of patients: 72. Only high quality variants are reported.

Mayo Clinic Laboratories, Mayo Clinic
Classification: Benign. Last evaluated: 2022-03-09. Review status: criteria provided, single submitter. Criteria: ACMG Guidelines, 2015. Collection method: clinical testing. Allele origin: germline. Observed: 974 variant alleles.

Fulgent Genetics
Classification: Likely benign for Familial Mediterranean fever, autosomal dominant; Familial Mediterranean fever; Acute febrile neutrophilic dermatosis. Last evaluated: 2021-09-02. Review status: criteria provided, single submitter. Criteria: ACMG Guidelines, 2015. Collection method: clinical testing. Allele origin: unknown.

Genome-Nilou Lab
Classification: Benign for Familial Mediterranean fever, autosomal dominant. Last evaluated: 2021-07-01. Review status: criteria provided, single submitter. Criteria: ACMG Guidelines, 2015. Collection method: clinical testing. Allele origin: germline. Affected: no.

Genome-Nilou Lab
Classification: Benign for Familial Mediterranean fever. Last evaluated: 2021-07-01. Review status: criteria provided, single submitter. Criteria: ACMG Guidelines, 2015. Collection method: clinical testing. Allele origin: germline. Affected: no.

Illumina Laboratory Services, Illumina
Classification: Benign for Familial Mediterranean fever. Last evaluated: 2018-01-13. Review status: criteria provided, single submitter. Criteria: ICSL Variant Classification Criteria 13 December 2019. Collection method: clinical testing. Allele origin: germline.
Comment: This variant was observed in the ICSL laboratory as part of a predisposition screen in an ostensibly healthy population. It had not been previously curated by ICSL or reported in the Human Gene Mutation Database (HGMD: prior to June 1st, 2018), and was therefore a candidate for classification through an automated scoring system. Utilizing variant allele frequency, disease prevalence and penetrance estimates, and inheritance mode, an automated score was calculated to assess if this variant is too frequent to cause the disease. Based on the score and internal cut-off values, a variant classified as benign is not then subjected to further curation. The score for this variant resulted in a classification of benign for this disease.

Genome Diagnostics Laboratory, The Hospital for Sick Children
Classification: Benign for Autoinflammatory syndrome. Last evaluated: 2016-12-12. Review status: criteria provided, single submitter. Criteria: ACMG Guidelines, 2015. Collection method: clinical testing. Allele origin: germline. Affected: yes.

Ambry Genetics
Classification: Benign for Inborn genetic diseases. Last evaluated: 2016-10-08. Review status: criteria provided, single submitter. Criteria: Ambry Variant Classification Scheme 2023. Collection method: clinical testing. Allele origin: germline.

Eurofins Ntd Llc (ga)
Classification: Benign. Last evaluated: 2015-12-14. Review status: criteria provided, single submitter. Criteria: EGL Classification Definitions 2015. Collection method: clinical testing. Allele origin: germline. Observed: 3 variant alleles, 3 heterozygotes.

Women's Health and Genetics/Laboratory Corporation of America, LabCorp
Classification: Benign for Familial Mediterranean Fever. Last evaluated: 2011-08-18. Review status: criteria provided, single submitter. Criteria: LabCorp Variant Classification Summary - May 2015. Collection method: curation, clinical testing. Allele origin: germline. Inheritance: autosomal unknown. Affected: yes.
ClinVar note: Converted during submission from benign to Benign.

GeneDx
Classification: Benign. Last evaluated: 2011-07-13. Review status: criteria provided, single submitter. Criteria: GeneDx Variant Classification (06012015). Collection method: clinical testing. Allele origin: germline. Affected: yes.
Comment: This variant is considered likely benign or benign based on one or more of the following criteria: it is a conservative change, it occurs at a poorly conserved position in the protein, it is predicted to be benign by multiple in silico algorithms, and/or has population frequency not consistent with disease.

Breakthrough Genomics
Classification: Benign. Review status: criteria provided, single submitter. Criteria: ACMG Guidelines, 2015. Collection method: not provided. Allele origin: germline. Inheritance: Autosomal recessive inheritance. Affected: yes.

PreventionGenetics, part of Exact Sciences
Classification: Benign. Review status: criteria provided, single submitter. Criteria: ACMG Guidelines, 2015. Collection method: clinical testing. Allele origin: germline.

Natera, Inc.
Classification: Benign for Familial Mediterranean fever. Last evaluated: 2020-09-16. Review status: no assertion criteria provided. Collection method: clinical testing. Allele origin: germline. Not counted in ClinVar's aggregate classification.

Department of Pathology and Laboratory Medicine, Sinai Health System
Classification: Uncertain significance. Review status: no assertion criteria provided. Collection method: clinical testing. Allele origin: unknown. Affected: yes. Study: The Canadian Open Genetics Repository (COGR). Not counted in ClinVar's aggregate classification.
Comment: Allele frequency is common in at least one population database (frequency: 61.912% in ExAC) based on the frequency threshold of 1.904% for this gene. Variant was observed in a homozygous state in population databases more than expected for disease. A synonymous variant not located in a splice region.

Diagnostic Laboratory, Department of Genetics, University Medical Center Groningen
Classification: Benign. Review status: no assertion criteria provided. Collection method: clinical testing. Allele origin: germline. Affected: yes. Study: VKGL Data-share Consensus. Not counted in ClinVar's aggregate classification.

Genome Diagnostics Laboratory, University Medical Center Utrecht
Classification: Benign. Review status: no assertion criteria provided. Collection method: clinical testing. Allele origin: germline. Affected: yes. Study: VKGL Data-share Consensus. Not counted in ClinVar's aggregate classification.

Literature cited by the submitters: PubMed 10364520 (cited by Women's Health and Genetics/Laboratory Corporation of America, LabCorp); PubMed 9288758 (cited by Women's Health and Genetics/Laboratory Corporation of America, LabCorp); PubMed 15020340 (cited by Women's Health and Genetics/Laboratory Corporation of America, LabCorp).